The following is an entry in ClinVar:

NM_007373.4(SHOC2):c.1161+42T>C

Gene: SHOC2 (SHOC2 leucine rich repeat scaffold protein; plus strand). Cytogenetic location: 10q25.2.
Variant type: single nucleotide variant.
Coding change: c.1161+42T>C on transcript NM_007373.4 (MANE Select); 42 bases into the intron after coding-DNA position 1161, T replaced by C.
Molecular consequence: intron variant.
Genome position (GRCh38, 1-based): chr10:111,004,836, T>C. VCF-style: chr10-111004836-T-C. GRCh37 (hg19) VCF-style: chr10-112764594-T-C.
Other names: c.1161+42T>C (NM_001324336.2, NM_001324337.2); c.1023+42T>C (NM_001269039.3).
Identifiers: ClinVar variation 41450 (VCV000041450.9), dbSNP rs1980869, ClinGen allele CA130843.

ClinVar aggregate classification (germline): Benign. Review status: criteria provided, multiple submitters, no conflicts (2 of 4 stars). 5 submissions from 5 submitters: Benign (5). Last evaluated 2021-07-15.

Conditions:
Noonan syndrome-like disorder with loose anagen hair 1 (NSLH1). Also called: TOSTI SYNDROME; MAZZANTI SYNDROME. Identifiers: Orphanet 2701, MedGen C4478716, MONDO:0054637, OMIM 607721.

Allele frequency attached by ClinVar (database versions not stated): gnomAD exomes 0.82226 and 0.83624; 1000 Genomes Project 0.84325; 1000 Genomes Project 30x 0.84650; ESP Exome Variant Server 0.82255; gnomAD 0.82744 and 0.82858; TOPMed 0.83112; ExAC 0.83475.
gnomAD v4.1: 1,125,085 of 1,367,102 alleles (82%); highest among the groups gnomAD compares: Admixed American, 91%; 463,055 homozygotes.

Submissions (5):

Genome-Nilou Lab
Classification: Benign for Noonan syndrome-like disorder with loose anagen hair 1. Last evaluated: 2021-07-15. Review status: criteria provided, single submitter. Criteria: ACMG Guidelines, 2015. Collection method: clinical testing. Allele origin: germline. Affected: no.

GeneDx
Classification: Benign. Last evaluated: 2018-06-16. Review status: criteria provided, single submitter. Criteria: GeneDx Variant Classification (06012015). Collection method: clinical testing. Allele origin: germline. Affected: yes.
Comment: This variant is considered likely benign or benign based on one or more of the following criteria: it is a conservative change, it occurs at a poorly conserved position in the protein, it is predicted to be benign by multiple in silico algorithms, and/or has population frequency not consistent with disease.

Eurofins Ntd Llc (ga)
Classification: Benign. Last evaluated: 2013-03-18. Review status: criteria provided, single submitter. Criteria: EGL Classification Definitions 2015. Collection method: clinical testing. Allele origin: germline. Observed: 4 variant alleles, 1 heterozygote, 3 homozygotes.

Breakthrough Genomics
Classification: Benign. Review status: criteria provided, single submitter. Criteria: ACMG Guidelines, 2015. Collection method: not provided. Allele origin: germline. Inheritance: Autosomal dominant inheritance. Affected: yes.

PreventionGenetics, part of Exact Sciences
Classification: Benign. Review status: criteria provided, single submitter. Criteria: ACMG Guidelines, 2015. Collection method: clinical testing. Allele origin: germline.